The following is an entry in ClinVar:

NM_000135.4(FANCA):c.3763G>T (p.Glu1255Ter)

Gene: FANCA (FA complementation group A; minus strand). Cytogenetic location: 16q24.3.
Variant type: single nucleotide variant.
Coding change: c.3763G>T on transcript NM_000135.4 (MANE Select); coding-DNA position 3763, G replaced by T.
Protein change: p.Glu1255Ter; replaces glutamic acid 1255 with a stop codon.
Molecular consequence: nonsense.
Genome position (GRCh38, 1-based): chr16:89,742,802, C>A on the plus strand (G>T on the coding strand, the complement: FANCA is on the minus strand). VCF-style: chr16-89742802-C-A. GRCh37 (hg19) VCF-style: chr16-89809210-C-A.
Other names: c.3763G>T, p.Glu1255Ter (NM_001286167.3); c.3763G>T (NM_000135.2); short protein forms E1255*.
Identifiers: ClinVar variation 1454404 (VCV001454404.7), dbSNP rs2062169243, ClinGen allele CA397485275.
Genomic context (GRCh38, chr16:89,742,802, plus strand): 5'-CACTGATTGAAACCAAGCTTGCGAGAAAATAAATCAGTAAAAGAATTTCCTATCTTGCCT[C>A]CTCTCTCTCGCAGTCCAGCTTCTTTAGCTGCTTCCTGATGTTTTCTTCCCTGACTTGTTG-3'

ClinVar aggregate classification (germline): Pathogenic. Review status: criteria provided, multiple submitters, no conflicts (2 of 4 stars). 2 submissions from 2 submitters: Pathogenic (2). Last evaluated 2025-07-13.

Conditions:
Fanconi anemia (FA). Also called: Fanconi's anemia. Identifiers: Orphanet 84, MedGen C0015625, MeSH D005199, MONDO:0019391.

Allele frequency attached by ClinVar (database versions not stated): TOPMed 0.00001.
gnomAD v4.1: 1 of 1,614,074 alleles (0.000062%); highest among the groups gnomAD compares: Admixed American, 0.0017%; no homozygotes.

Submissions (2):

Labcorp Genetics (formerly Invitae), Labcorp
Classification: Pathogenic for Fanconi anemia. Last evaluated: 2025-07-13. Review status: criteria provided, single submitter. Criteria: Invitae Variant Classification Sherloc (09022015). Collection method: clinical testing. Allele origin: germline.
Comment: This sequence change creates a premature translational stop signal (p.Glu1255*) in the FANCA gene. It is expected to result in an absent or disrupted protein product. Loss-of-function variants in FANCA are known to be pathogenic (PMID: 19367192). This variant is not present in population databases (gnomAD no frequency). This premature translational stop signal has been observed in individual(s) with FANCA-related conditions (PMID: 31586946). ClinVar contains an entry for this variant (Variation ID: 1454404). Algorithms developed to predict the effect of sequence changes on RNA splicing suggest that this variant may disrupt the consensus splice site. For these reasons, this variant has been classified as Pathogenic.

GeneDx
Classification: Pathogenic. Last evaluated: 2022-07-24. Review status: criteria provided, single submitter. Criteria: GeneDx Variant Classification Process June 2021. Collection method: clinical testing. Allele origin: germline. Affected: yes.
Comment: Nonsense variant predicted to result in protein truncation or nonsense mediated decay in a gene for which loss of function is a known mechanism of disease; Not observed at significant frequency in large population cohorts (gnomAD); This variant is associated with the following publications: (PMID: 31586946, 33718801)

Literature cited by the submitters: PubMed 19367192 (cited by Labcorp Genetics (formerly Invitae), Labcorp); PubMed 31586946 (cited by Labcorp Genetics (formerly Invitae), Labcorp).